The following is an entry in ClinVar:

ClinVar aggregate classification (germline): Uncertain significance (1 of 4 stars; one submission).

Conditions:
Paget disease of bone 2, early-onset (PDB2). Also called: Paget disease of bone 2. Identifiers: MedGen C4085251, MONDO:0011183, OMIM 602080.
Frontotemporal dementia and/or amyotrophic lateral sclerosis 1 (FTDALS1). Also called: Frontotemporal dementia with motor neuron disease 1; C9orf72 Frontotemporal Dementia and/or Amyotrophic Lateral Sclerosis. Identifiers: Orphanet 275872, MedGen C5779877, MONDO:0007105, OMIM 105550.

Submission:

Labcorp Genetics (formerly Invitae), Labcorp
Classification: Uncertain significance for Paget disease of bone 2, early-onset; Frontotemporal dementia and/or amyotrophic lateral sclerosis 1. Last evaluated: 2022-11-01. Review status: criteria provided, single submitter. Criteria: Invitae Variant Classification Sherloc (09022015). Collection method: clinical testing. Allele origin: germline.
Comment: This variant has not been reported in the literature in individuals affected with SQSTM1-related conditions. This variant is not present in population databases (gnomAD no frequency). This sequence change replaces alanine, which is neutral and non-polar, with aspartic acid, which is acidic and polar, at codon 86 of the SQSTM1 protein (p.Ala86Asp). Advanced modeling of protein sequence and biophysical properties (such as structural, functional, and spatial information, amino acid conservation, physicochemical variation, residue mobility, and thermodynamic stability) performed at Invitae indicates that this missense variant is expected to disrupt SQSTM1 protein function. In summary, the available evidence is currently insufficient to determine the role of this variant in disease. Therefore, it has been classified as a Variant of Uncertain Significance.

NM_003900.5(SQSTM1):c.257C>A (p.Ala86Asp)

Gene: SQSTM1 (sequestosome 1; plus strand). Cytogenetic location: 5q35.3.
Variant type: single nucleotide variant.
Coding change: c.257C>A on transcript NM_003900.5 (MANE Select); coding-DNA position 257, C replaced by A.
Protein change: p.Ala86Asp; replaces alanine 86 with aspartic acid.
Molecular consequence: missense variant.
Genome position (GRCh38, 1-based): chr5:179,823,009, C>A. VCF-style: chr5-179823009-C-A. GRCh37 (hg19) VCF-style: chr5-179250009-C-A.
Other names: c.5C>A, p.Ala2Asp (NM_001142298.2, NM_001142299.2); short protein forms A86D, A2D.
Identifiers: ClinVar variation 1948517 (VCV001948517.5), dbSNP rs2480208903, ClinGen allele CA362443114.
Genomic context (GRCh38, chr5:179,823,009, plus strand): 5'-ACAATCTAGATGAGGACGGGGACTTGGTTGCCTTTTCCAGTGACGAGGAATTGACAATGG[C>A]CATGTCCTACGTGAAGGATGACATCTTCCGAATCTACATTAAAGGTAAGGGGCTGCTCTG-3'
Protein context (NP_003891.1, residues 76-96): AFSSDEELTM[Ala86Asp]MSYVKDDIFR